The following is an entry in ClinVar:

NM_000317.3(PTS):c.351C>A (p.Asn117Lys)

Gene: PTS (6-pyruvoyltetrahydropterin synthase; plus strand). Cytogenetic location: 11q23.1.
Variant type: single nucleotide variant.
Coding change: c.351C>A on transcript NM_000317.3 (MANE Select); coding-DNA position 351, C replaced by A.
Protein change: p.Asn117Lys; replaces asparagine 117 with lysine.
Molecular consequence: missense variant.
Genome position (GRCh38, 1-based): chr11:112,233,468, C>A. VCF-style: chr11-112233468-C-A. GRCh37 (hg19) VCF-style: chr11-112104191-C-A.
Other names: short protein forms N117K.
Identifiers: ClinVar variation 1698882 (VCV001698882.4), dbSNP rs2135410460, ClinGen allele CA382628018.
Genomic context (GRCh38, chr11:112,233,468, plus strand): 5'-TGTTTTTGTTTTTTTTTCTTATAGCACGACTGAAAATGTAGCTGTTTATATCTGGGACAA[C>A]CTCCAGAAAGTTCTTCCTGTAGGAGTTCTTTATAAAGTAAAAGTATACGAAACTGACAAT-3'
Protein context (NP_000308.1, residues 107-127): TENVAVYIWD[Asn117Lys]LQKVLPVGVL

ClinVar aggregate classification (germline): Likely pathogenic. Review status: criteria provided, multiple submitters, no conflicts (2 of 4 stars). 2 submissions from 2 submitters: Likely pathogenic (2). Last evaluated 2024-12-19.

Conditions:
6-Pyruvoyl-tetrahydrobiopterin synthase deficiency. Also called: PTS DEFICIENCY; 6-Pyruvoyltetrahydropterin Synthase Deficiency; HYPERPHENYLALANINEMIA, TETRAHYDROBIOPTERIN-DEFICIENT, DUE TO PTS DEFICIENCY; BH4-deficient hyperphenylalaninemia A; PTS-Related Tetrahydrobiopterin Deficiency; Hyperphenylalanemia, BH4-deficient, A. Identifiers: Orphanet 13, Orphanet 238583, MedGen C0878676, MONDO:0009863, OMIM 261640.

Submissions (2):

Victorian Clinical Genetics Services, Murdoch Childrens Research Institute
Classification: Likely pathogenic for 6-Pyruvoyl-tetrahydrobiopterin synthase deficiency. Last evaluated: 2024-12-19. Review status: criteria provided, single submitter. Criteria: ACMG Guidelines, 2015. Collection method: clinical testing. Allele origin: germline. Affected: no.
Comment: This variant is classified as Likely pathogenic. Evidence in support of pathogenic classification: Variant is absent from gnomAD (v2, v3 and v4); This variant has limited previous evidence of pathogenicity in an unrelated individual(s). This variant has been reported in a homozygous individual with hyperphenylalaninemia (PMID: 27246466). Additional information: Variant is predicted to result in a missense amino acid change from asparagine to lysine; This variant is heterozygous; This gene is associated with autosomal recessive disease; Alternative amino acid change(s) at the same position are present in gnomAD (Highest alelle count: v4: 2 heterozygote(s), 0 homozygote(s)) ; No published segregation evidence has been identified for this variant; No published functional evidence has been identified for this variant; No comparable missense variants have previous evidence for pathogenicity; Variant is located in the annotated 6-pyruvoyl tetrahydropterin synthase domain (DECIPHER); Missense variant with inconclusive in silico prediction and uninformative conservation; Loss of function is a known mechanism of disease in this gene and is associated with hyperphenylalaninemia, BH4-deficient, A (MIM#261640).

Genetics and Molecular Pathology, SA Pathology
Classification: Likely pathogenic for 6-Pyruvoyl-tetrahydrobiopterin synthase deficiency. Last evaluated: 2020-09-16. Review status: criteria provided, single submitter. Criteria: ACMG Guidelines, 2015. Collection method: clinical testing. Allele origin: germline. Affected: yes.
Comment: The PTS c.351C>A variant is classified as LIKELY PATHOGENIC (PM3, PM2, PP4-Moderate). The PTS c.351C>A is a single nucleotide change from a cytosine to an adenine at position 351 which is predicted to change the amino acid asparagine in the protein to a lysine. Familial segregation testing has shown that this variant is in trans with a pathogenic variant (PM3). The variant is absent from population databases (PM2). The variant has not been reported in the ClinVar disease database to date. The biochemical and clinical features of this patient is consistent with PTPS deficiency (PP4-Moderate).

Literature cited by the submitters: PubMed 27246466 (cited by Genetics and Molecular Pathology, SA Pathology).